The following is an entry in ClinVar:

ClinVar aggregate classification (germline): Conflicting classifications of pathogenicity. Review status: criteria provided, conflicting classifications (1 of 4 stars). 3 submissions from 3 submitters: Uncertain significance (2); Likely benign (1). Last evaluated 2022-09-27.

Conditions:
Inborn genetic diseases. Identifiers: MedGen C0950123, MeSH D030342.

Allele frequency attached by ClinVar (database versions not stated): gnomAD 0.00002 and 0.00003; TOPMed 0.00002; 1000 Genomes Project 30x 0.00016; 1000 Genomes Project 0.00020.
gnomAD v4.1: 77 of 1,613,548 alleles (0.0048%); highest among the groups gnomAD compares: Middle Eastern, 0.017%; no homozygotes.

Submissions (3):

Labcorp Genetics (formerly Invitae), Labcorp
Classification: Uncertain significance. Last evaluated: 2022-09-27. Review status: criteria provided, single submitter. Criteria: Invitae Variant Classification Sherloc (09022015). Collection method: clinical testing. Allele origin: germline.
Comment: This sequence change replaces arginine, which is basic and polar, with histidine, which is basic and polar, at codon 314 of the GPR179 protein (p.Arg314His). This variant is present in population databases (rs201014514, gnomAD 0.02%). This variant has not been reported in the literature in individuals affected with GPR179-related conditions. ClinVar contains an entry for this variant (Variation ID: 1352693). Algorithms developed to predict the effect of missense changes on protein structure and function output the following: SIFT: "Tolerated"; PolyPhen-2: "Benign"; Align-GVGD: "Class C0". The histidine amino acid residue is found in multiple mammalian species, which suggests that this missense change does not adversely affect protein function. In summary, the available evidence is currently insufficient to determine the role of this variant in disease. Therefore, it has been classified as a Variant of Uncertain Significance.

Ambry Genetics
Classification: Likely benign for Inborn genetic diseases. Last evaluated: 2022-05-27. Review status: criteria provided, single submitter. Criteria: Ambry Variant Classification Scheme 2023. Collection method: clinical testing. Allele origin: germline.

Blueprint Genetics
Classification: Uncertain significance. Last evaluated: 2022-04-20. Review status: criteria provided, single submitter. Criteria: ACMG Guidelines, 2015. Collection method: clinical testing. Allele origin: germline.

NM_001004334.4(GPR179):c.941G>A (p.Arg314His)

Gene: GPR179 (G protein-coupled receptor 179; minus strand). Cytogenetic location: 17q12.
Variant type: single nucleotide variant.
Coding change: c.941G>A on transcript NM_001004334.4 (MANE Select); coding-DNA position 941, G replaced by A.
Protein change: p.Arg314His; replaces arginine 314 with histidine.
Molecular consequence: missense variant.
Genome position (GRCh38, 1-based): chr17:38,337,683, C>T on the plus strand (G>A on the coding strand, the complement: GPR179 is on the minus strand). VCF-style: chr17-38337683-C-T. GRCh37 (hg19) VCF-style: chr17-36493566-C-T.
Other names: c.941G>A (NM_001004334.2); short protein forms R314H.
Identifiers: ClinVar variation 1352693 (VCV001352693.5), dbSNP rs201014514, ClinGen allele CA290109654.